The following is an entry in ClinVar:

NM_001372044.2(SHANK3):c.938A>G (p.His313Arg)

Gene: SHANK3 (SH3 and multiple ankyrin repeat domains 3; plus strand). Cytogenetic location: 22q13.33.
Variant type: single nucleotide variant.
Coding change: c.938A>G on transcript NM_001372044.2 (MANE Select); coding-DNA position 938, A replaced by G.
Protein change: p.His313Arg; replaces histidine 313 with arginine.
Molecular consequence: missense variant.
Genome position (GRCh38, 1-based): chr22:50,679,131, A>G. VCF-style: chr22-50679131-A-G. GRCh37 (hg19) VCF-style: chr22-51117559-A-G.
Other names: c.713A>G, p.His238Arg (NM_033517.1); short protein forms H238R, H313R.
Identifiers: ClinVar variation 1806046 (VCV001806046.4), dbSNP rs369525834, ClinGen allele CA325560450.

ClinVar aggregate classification (germline): Uncertain significance. Review status: criteria provided, multiple submitters, no conflicts (2 of 4 stars). 2 submissions from 2 submitters: Uncertain significance (2). Last evaluated 2024-09-21.

Conditions:
Schizophrenia 15 (SCZD15). Also called: SCHIZOPHRENIA SUSCEPTIBILITY LOCUS, CHROMOSOME 22q13-RELATED. Identifiers: MedGen C3151380, MONDO:0013498, OMIM 613950.
Phelan-McDermid syndrome. Also called: Phelan-McDermid Syndrome-SHANK3 Related; TELOMERIC 22q13 MONOSOMY SYNDROME; 22q13.3 deletion syndrome. Identifiers: Orphanet 48652, MedGen C1853490, MONDO:0011652, OMIM 606232.

Allele frequency attached by ClinVar (database versions not stated): gnomAD 0.00001.

Submissions (2):

Victorian Clinical Genetics Services, Murdoch Childrens Research Institute
Classification: Uncertain significance for Phelan-McDermid syndrome. Last evaluated: 2024-09-21. Review status: criteria provided, single submitter. Criteria: ACMG Guidelines, 2015. Collection method: clinical testing. Allele origin: germline. Inheritance: Autosomal dominant inheritance. Affected: yes.
Comment: Based on the classification scheme VCGS_Germline_v1.3.4, this variant is classified as VUS-3B. Following criteria are met: 0102 - Loss of function is a known mechanism of disease in this gene and is associated with Phelan-McDermid syndrome, (MIM#606232). (I) 0107 - This gene is associated with autosomal dominant disease. (I) 0200 - Variant is predicted to result in a missense amino acid change from histidine to arginine. (I) 0251 - This variant is heterozygous. (I) 0302 - Variant is present in gnomAD (v3) <0.001 for a dominant condition (1 heterozygote, 0 homozygotes). (SP) 0502 - Missense variant with conflicting in silico predictions and uninformative conservation. (I) 0600 - Variant is located in the annotated ankyrin repeat domain (NCBI conserved domain). (I) 0705 - No comparable missense variants have previous evidence for pathogenicity. (I) 0807 - This variant has no previous evidence of pathogenicity. (I) 0905 - No published segregation evidence has been identified for this variant. (I) 1007 - No published functional evidence has been identified for this variant. (I) 1208 - Inheritance information for this variant is not currently available in this individual. (I) Legend: (SP) - Supporting pathogenic, (I) - Information, (SB) - Supporting benign

Department of Pathology and Laboratory Medicine, Sinai Health System
Classification: Uncertain significance for Phelan-McDermid syndrome; Schizophrenia 15. Last evaluated: 2021-11-10. Review status: criteria provided, single submitter. Criteria: ACMG Guidelines, 2015. Collection method: research. Allele origin: germline.